The following is an entry in ClinVar:

ClinVar aggregate classification (germline): Uncertain significance (1 of 4 stars; one submission).

gnomAD v4.1: 64 of 1,613,778 alleles (0.004%); highest among the groups gnomAD compares: Non-Finnish European, 0.0051%; no homozygotes.

Submission:

Labcorp Genetics (formerly Invitae), Labcorp
Classification: Uncertain significance. Last evaluated: 2025-08-17. Review status: criteria provided, single submitter. Criteria: Invitae Variant Classification Sherloc (09022015). Collection method: clinical testing. Allele origin: germline.
Comment: This sequence change replaces glutamic acid, which is acidic and polar, with valine, which is neutral and non-polar, at codon 98 of the KANK4 protein (p.Glu98Val). This variant is present in population databases (rs750855213, gnomAD 0.007%). This variant has not been reported in the literature in individuals affected with KANK4-related conditions. An algorithm developed to predict the effect of missense changes on protein structure and function (PolyPhen-2) suggests that this variant is likely to be tolerated. In summary, the available evidence is currently insufficient to determine the role of this variant in disease. Therefore, it has been classified as a Variant of Uncertain Significance.

NM_181712.5(KANK4):c.293A>T (p.Glu98Val)

Gene: KANK4 (KN motif and ankyrin repeat domains 4; minus strand). Cytogenetic location: 1p31.3.
Variant type: single nucleotide variant.
Coding change: c.293A>T on transcript NM_181712.5 (MANE Select); coding-DNA position 293, A replaced by T.
Protein change: p.Glu98Val; replaces glutamic acid 98 with valine.
Molecular consequence: missense variant. On other transcripts: intron variant (1).
Genome position (GRCh38, 1-based): chr1:62,274,811, T>A on the plus strand (A>T on the coding strand, the complement: KANK4 is on the minus strand). VCF-style: chr1-62274811-T-A. GRCh37 (hg19) VCF-style: chr1-62740483-T-A.
Other names: c.17-3222A>T (NM_001320269.2); short protein forms E98V.
Identifiers: ClinVar variation 4748504 (VCV004748504.1).
Genomic context (GRCh38, chr1:62,274,811, plus strand): 5'-GCCTGGGGGGCATTACCAAGCGGTGGTGACTGGTTTTGCTCCTGTGTCCCAAGTGATGCC[T>A]CCCTTGGCACCACGGGAGACCAGTTTTGGAGGGGCGGGGCTGCAGGGGGGCGAGCCCCAC-3'
Protein context (NP_859063.3, residues 88-108): LQNWSPVVPR[Glu98Val]ASLGTQEQNQ